The following is an entry in ClinVar:

ClinVar aggregate classification (germline): Uncertain significance (1 of 4 stars; one submission).

Submission:

Ambry Genetics
Classification: Uncertain significance. Last evaluated: 2022-10-31. Review status: criteria provided, single submitter. Criteria: Ambry Variant Classification Scheme 2023. Collection method: clinical testing. Allele origin: germline.
Comment: The p.I99T variant (also known as c.296T>C), located in coding exon 2 of the IDH1 gene, results from a T to C substitution at nucleotide position 296. The isoleucine at codon 99 is replaced by threonine, an amino acid with similar properties. This amino acid position is conserved. In addition, this alteration is predicted to be deleterious by in silico analysis. Since supporting evidence is limited at this time, the clinical significance of this alteration remains unclear.

NM_005896.4(IDH1):c.296T>C (p.Ile99Thr)

Gene: IDH1 (isocitrate dehydrogenase (NADP(+)) 1; minus strand). Cytogenetic location: 2q34.
Variant type: single nucleotide variant.
Coding change: c.296T>C on transcript NM_005896.4 (MANE Select); coding-DNA position 296, T replaced by C.
Protein change: p.Ile99Thr; replaces isoleucine 99 with threonine.
Molecular consequence: missense variant.
Genome position (GRCh38, 1-based): chr2:208,248,487, A>G on the plus strand (T>C on the coding strand, the complement: IDH1 is on the minus strand). VCF-style: chr2-208248487-A-G. GRCh37 (hg19) VCF-style: chr2-209113211-A-G.
Other names: c.296T>C, p.Ile99Thr (NM_001282386.1, NM_001282387.1); short protein forms I99T.
Identifiers: ClinVar variation 1798277 (VCV001798277.3), dbSNP rs2124863162, ClinGen allele CA350101595.